The following is an entry in ClinVar:

ClinVar aggregate classification (germline): Benign/Likely benign. Review status: criteria provided, multiple submitters, no conflicts (2 of 4 stars). 2 submissions from 2 submitters: Benign (1); Likely benign (1). Last evaluated 2023-11-20.

Allele frequency attached by ClinVar (database versions not stated): gnomAD 0.00004 and 0.00007; gnomAD exomes 0.00006 and 0.00008; TOPMed 0.00008; ExAC 0.00009; 1000 Genomes Project 30x 0.00031; 1000 Genomes Project 0.00040.
gnomAD v4.1: 93 of 1,604,316 alleles (0.0058%); highest among the groups gnomAD compares: East Asian, 0.21%; no homozygotes.

Submissions (2):

GeneDx
Classification: Likely benign. Last evaluated: 2023-11-20. Review status: criteria provided, single submitter. Criteria: GeneDx Variant Classification Process June 2021. Collection method: clinical testing. Allele origin: germline. Affected: yes.
Comment: See Variant Classification Assertion Criteria.

Women's Health and Genetics/Laboratory Corporation of America, LabCorp
Classification: Benign. Last evaluated: 2019-10-22. Review status: criteria provided, single submitter. Criteria: LabCorp Variant Classification Summary - May 2015. Collection method: clinical testing. Allele origin: germline.
Comment: Variant summary: SCN4B c.*7C>T is located in the untranslated mRNA region downstream of the termination codon. The variant allele was found at a frequency of 7.8e-05 in 282524 control chromosomes, predominantly at a frequency of 0.0011 within the East Asian subpopulation in the gnomAD database. The observed variant frequency within East Asian control individuals in the gnomAD database is approximately 110 fold of the estimated maximal expected allele frequency for a pathogenic variant in SCN4B causing Arrhythmia phenotype (1e-05), strongly suggesting that the variant is a benign polymorphism found primarily in populations of East Asian origin. c.*7C>T has been reported in the literature without strong evidence of causality (Yang_2019, Xiong_2019). These reports do not provide unequivocal conclusions about association of the variant with Arrhythmia. To our knowledge, no experimental evidence demonstrating an impact on protein function has been reported. No clinical diagnostic laboratories have submitted clinical-significance assessments for this variant to ClinVar after 2014. Based on the evidence outlined above, the variant was classified as benign.

Literature cited by the submitters: PubMed 24529773 (cited by Women's Health and Genetics/Laboratory Corporation of America, LabCorp); PubMed 30821358 (cited by Women's Health and Genetics/Laboratory Corporation of America, LabCorp); PubMed 31020414 (cited by Women's Health and Genetics/Laboratory Corporation of America, LabCorp).

NM_174934.4(SCN4B):c.*7C>T

Gene: SCN4B (sodium voltage-gated channel beta subunit 4; minus strand). Cytogenetic location: 11q23.3.
Variant type: single nucleotide variant.
Coding change: c.*7C>T on transcript NM_174934.4 (MANE Select); 7 bases downstream of the stop codon, C replaced by T.
Molecular consequence: 3 prime UTR variant. On other transcripts: non-coding transcript variant (1).
Genome position (GRCh38, 1-based): chr11:118,137,020, G>A on the plus strand (C>T on the coding strand, the complement: SCN4B is on the minus strand). VCF-style: chr11-118137020-G-A. GRCh37 (hg19) VCF-style: chr11-118007735-G-A.
Other names: c.*7C>T (NM_001142348.2, NM_001142349.2).
Identifiers: ClinVar variation 929095 (VCV000929095.5), dbSNP rs79071006, ClinGen allele CA6300117.